The following is an entry in ClinVar:

ClinVar aggregate classification (germline): Likely benign. Review status: criteria provided, multiple submitters, no conflicts (2 of 4 stars). 3 submissions from 3 submitters: Likely benign (3). Last evaluated 2023-04-20.

Conditions:
Hereditary cancer-predisposing syndrome. Also called: Neoplastic Syndromes, Hereditary; Tumor predisposition; Hereditary neoplastic syndrome; Hereditary Cancer Syndrome. Identifiers: Orphanet 140162, MedGen C0027672, MeSH D009386, MONDO:0015356.
Microcephaly, normal intelligence and immunodeficiency (NBS). Also called: SEEMANOVA SYNDROME II; Immunodeficiency, microcephaly with normal intelligence; Ataxia telangiectasia variant V1; BERLIN BREAKAGE SYNDROME; Nijmegen breakage syndrome; Microcephaly with normal intelligence immunodeficiency and lymphoreticular malignancies. Identifiers: Orphanet 647, MedGen C0398791, MONDO:0009623, OMIM 251260.

Submissions (3):

Labcorp Genetics (formerly Invitae), Labcorp
Classification: Likely benign for Microcephaly, normal intelligence and immunodeficiency. Last evaluated: 2023-04-20. Review status: criteria provided, single submitter. Criteria: Invitae Variant Classification Sherloc (09022015). Collection method: clinical testing. Allele origin: germline.

Ambry Genetics
Classification: Likely benign for Hereditary cancer-predisposing syndrome. Last evaluated: 2022-09-28. Review status: criteria provided, single submitter. Criteria: Ambry Variant Classification Scheme 2023. Collection method: clinical testing. Allele origin: germline.

GeneDx
Classification: Likely benign. Last evaluated: 2018-04-03. Review status: criteria provided, single submitter. Criteria: GeneDx Variant Classification (06012015). Collection method: clinical testing. Allele origin: germline. Affected: yes.
Comment: This variant is considered likely benign or benign based on one or more of the following criteria: it is a conservative change, it occurs at a poorly conserved position in the protein, it is predicted to be benign by multiple in silico algorithms, and/or has population frequency not consistent with disease.

NM_002485.5(NBN):c.1107A>G (p.Ser369=)

Gene: NBN (nibrin; minus strand). Cytogenetic location: 8q21.3.
Variant type: single nucleotide variant.
Coding change: c.1107A>G on transcript NM_002485.5 (MANE Select); coding-DNA position 1107, A replaced by G.
Protein change: p.Ser369=; no amino-acid change (serine 369 retained).
Molecular consequence: synonymous variant.
Genome position (GRCh38, 1-based): chr8:89,958,742, T>C on the plus strand (A>G on the coding strand, the complement: NBN is on the minus strand). VCF-style: chr8-89958742-T-C. GRCh37 (hg19) VCF-style: chr8-90970970-T-C.
Other names: c.861A>G, p.Ser287= (NM_001024688.3).
Identifiers: ClinVar variation 681707 (VCV000681707.11), dbSNP rs1586065630, ClinGen allele CA461828114.